The following is an entry in ClinVar:

ClinVar aggregate classification (germline): Uncertain significance (1 of 4 stars; one submission).

Conditions:
Inborn genetic diseases. Identifiers: MedGen C0950123, MeSH D030342.

gnomAD v4.1: 1 of 1,614,174 alleles (0.000062%); no homozygotes.

Submission:

Ambry Genetics
Classification: Uncertain significance for Inborn genetic diseases. Last evaluated: 2024-07-03. Review status: criteria provided, single submitter. Criteria: Ambry Variant Classification Scheme 2023. Collection method: clinical testing. Allele origin: germline.
Comment: The p.A332S variant (also known as c.994G>T), located in coding exon 8 of the BUB1B gene, results from a G to T substitution at nucleotide position 994. The alanine at codon 332 is replaced by serine, an amino acid with similar properties. This amino acid position is conserved. In addition, this alteration is predicted to be tolerated by in silico analysis. Based on the available evidence, the clinical significance of this variant remains unclear.

NM_001211.6(BUB1B):c.994G>T (p.Ala332Ser)

Gene: BUB1B (BUB1 mitotic checkpoint serine/threonine kinase B; plus strand). Cytogenetic location: 15q15.1.
Variant type: single nucleotide variant.
Coding change: c.994G>T on transcript NM_001211.6 (MANE Select); coding-DNA position 994, G replaced by T.
Protein change: p.Ala332Ser; replaces alanine 332 with serine.
Molecular consequence: missense variant.
Genome position (GRCh38, 1-based): chr15:40,185,578, G>T. VCF-style: chr15-40185578-G-T. GRCh37 (hg19) VCF-style: chr15-40477779-G-T.
Other names: short protein forms A332S.
Identifiers: ClinVar variation 3483141 (VCV003483141.1).